The following is an entry in ClinVar:

ClinVar aggregate classification (germline): Uncertain significance. Review status: criteria provided, multiple submitters, no conflicts (2 of 4 stars). 4 submissions from 4 submitters: Uncertain significance (4). Last evaluated 2023-01-09.

Conditions:
Familial amyloid nephropathy with urticaria AND deafness (MWS). Also called: MUCKLE-WELLS SYNDROME; Urticaria, deafness and amyloidosis; CRYOPYRIN-ASSOCIATED PERIODIC SYNDROME 2; UDA SYNDROME; URTICARIA-DEAFNESS-AMYLOIDOSIS SYNDROME. Identifiers: Orphanet 575, MedGen C0268390, MONDO:0008633, OMIM 191900.
Familial cold autoinflammatory syndrome 1 (FCAS1). Also called: CRYOPYRIN-ASSOCIATED PERIODIC SYNDROME 1; Familial cold inflammatory syndrome 1. Identifiers: Orphanet 47045, MedGen C4551895, MONDO:0007349, OMIM 120100.
Chronic infantile neurological, cutaneous and articular syndrome (CINCA). Also called: Prieur Griscelli syndrome; CRYOPYRIN-ASSOCIATED PERIODIC SYNDROME 3; CINCA syndrome; CHRONIC NEUROLOGIC CUTANEOUS AND ARTICULAR SYNDROME. Identifiers: Orphanet 1451, MedGen C0409818, MONDO:0011776, OMIM 607115.
Keratitis fugax hereditaria. Also called: KERATOENDOTHELIITIS FUGAX HEREDITARIA. Identifiers: Orphanet 647815, MedGen C1835697, MONDO:0007849, OMIM 148200.
Hearing loss, autosomal dominant 34, with or without inflammation. Also called: DEAFNESS, AUTOSOMAL DOMINANT 34, WITH OR WITHOUT INFLAMMATION. Identifiers: MedGen C4521680, MONDO:0033261, OMIM 617772.
Cryopyrin associated periodic syndrome (CAPS). Identifiers: Orphanet 208650, MedGen C2316212, MONDO:0016168.

Allele frequency attached by ClinVar (database versions not stated): gnomAD 0.00001; gnomAD exomes 0.00001; TOPMed 0.00001; ExAC 0.00002.
gnomAD v4.1: 5 of 1,614,132 alleles (0.00031%); highest among the groups gnomAD compares: East Asian, 0.0089%; no homozygotes.

Submissions (4):

Labcorp Genetics (formerly Invitae), Labcorp
Classification: Uncertain significance for Cryopyrin associated periodic syndrome. Last evaluated: 2023-01-09. Review status: criteria provided, single submitter. Criteria: Invitae Variant Classification Sherloc (09022015). Collection method: clinical testing. Allele origin: germline.
Comment: In summary, the available evidence is currently insufficient to determine the role of this variant in disease. Therefore, it has been classified as a Variant of Uncertain Significance. Advanced modeling of protein sequence and biophysical properties (such as structural, functional, and spatial information, amino acid conservation, physicochemical variation, residue mobility, and thermodynamic stability) has been performed at Invitae for this missense variant, however the output from this modeling did not meet the statistical confidence thresholds required to predict the impact of this variant on NLRP3 protein function. ClinVar contains an entry for this variant (Variation ID: 234474). This variant has not been reported in the literature in individuals affected with NLRP3-related conditions. This variant is present in population databases (rs756392002, gnomAD 0.01%). This sequence change replaces leucine, which is neutral and non-polar, with methionine, which is neutral and non-polar, at codon 800 of the NLRP3 protein (p.Leu800Met).

Fulgent Genetics
Classification: Uncertain significance for Familial cold autoinflammatory syndrome 1; Keratitis fugax hereditaria; Familial amyloid nephropathy with urticaria AND deafness; Chronic infantile neurological, cutaneous and articular syndrome; Hearing loss, autosomal dominant 34, with or without inflammation. Last evaluated: 2022-02-26. Review status: criteria provided, single submitter. Criteria: ACMG Guidelines, 2015. Collection method: clinical testing. Allele origin: unknown.

Blueprint Genetics
Classification: Uncertain significance. Last evaluated: 2021-09-15. Review status: criteria provided, single submitter. Criteria: ACMG Guidelines, 2015. Collection method: clinical testing. Allele origin: germline.

GeneDx
Classification: Uncertain significance. Last evaluated: 2015-04-27. Review status: criteria provided, single submitter. Criteria: GeneDx Variant Classification (06012015). Collection method: clinical testing. Allele origin: germline. Affected: yes.
Comment: The L800M variant has not been published as a mutation, nor has it been reported as a benign polymorphism to our knowledge. It was not observed in approximately 6,500 individuals of European and African American ancestry in the NHLBI Exome Sequencing Project, indicating it is not a common benign variant in these populations. L800M is a conservative amino acid substitution, which is not likely to impact secondary protein structure as these residues share similar properties. This substitution occurs at a position that is conserved across species. In silico analysis is inconsistent in its predictions as to whether or not the variant is damaging to the protein structure/function. A missense mutation in a nearby residue (A809S) has been reported in the Human Gene Mutation Database in association with NLRP3-related disorder (Stenson et al., 2014), supporting the functional importance of this region of the protein. Therefore, based on the currently available information, it is unclear whether this variant is a pathogenic mutation or a rare benign variant.

NM_001243133.2(NLRP3):c.2392C>A (p.Leu798Met)

Gene: NLRP3 (NLR family pyrin domain containing 3; plus strand). Cytogenetic location: 1q44.
Variant type: single nucleotide variant.
Coding change: c.2392C>A on transcript NM_001243133.2 (MANE Select); coding-DNA position 2392, C replaced by A.
Protein change: p.Leu798Met; replaces leucine 798 with methionine.
Molecular consequence: missense variant.
Genome position (GRCh38, 1-based): chr1:247,434,173, C>A. VCF-style: chr1-247434173-C-A. GRCh37 (hg19) VCF-style: chr1-247597475-C-A.
Other names: c.2392C>A, p.Leu798Met (NM_001079821.3, NM_001127461.3); c.2221C>A, p.Leu741Met (NM_001127462.3, NM_183395.3); c.2398C>A, p.Leu800Met (NM_004895.5); short protein forms L800M, L798M, L741M.
Identifiers: ClinVar variation 234474 (VCV000234474.14), dbSNP rs756392002, ClinGen allele CA1495229.
Genomic context (GRCh38, chr1:247,434,173, plus strand): 5'-TGTGGCCTCTCGCATGAGTGCTGCTTCGACATCTCCTTGGTCCTCAGCAGCAACCAGAAG[C>A]TGGTGGAGCTGGACCTGAGTGACAACGCCCTCGGTGACTTCGGAATCAGACTTCTGTGTG-3'
Protein context (NP_001230062.1, residues 788-808): ISLVLSSNQK[Leu798Met]VELDLSDNAL